The following is an entry in ClinVar:

NM_012200.4(B3GAT3):c.211C>G (p.Pro71Ala)

Gene: B3GAT3 (beta-1,3-glucuronyltransferase 3; minus strand). Cytogenetic location: 11q12.3.
Variant type: single nucleotide variant.
Coding change: c.211C>G on transcript NM_012200.4 (MANE Select); coding-DNA position 211, C replaced by G.
Protein change: p.Pro71Ala; replaces proline 71 with alanine.
Molecular consequence: missense variant. On other transcripts: non-coding transcript variant (1).
Genome position (GRCh38, 1-based): chr11:62,620,543, G>C on the plus strand (C>G on the coding strand, the complement: B3GAT3 is on the minus strand). VCF-style: chr11-62620543-G-C. GRCh37 (hg19) VCF-style: chr11-62388015-G-C.
Other names: c.190C>G, p.Pro64Ala (NM_001288721.2); c.211C>G, p.Pro71Ala (NM_001288722.2, NM_001288723.2); short protein forms P64A, P71A.
Identifiers: ClinVar variation 1903946 (VCV001903946.5), dbSNP rs772173955, ClinGen allele CA6050181.

ClinVar aggregate classification (germline): Uncertain significance (1 of 4 stars; one submission).

Conditions:
Larsen-like syndrome, B3GAT3 type. Also called: Multiple joint dislocations, short stature, craniofacial dysmorphism, with or without congenital heart defects; MULTIPLE JOINT DISLOCATIONS, SHORT STATURE, AND CRANIOFACIAL DYSMORPHISM WITH OR WITHOUT CONGENITAL HEART DEFECTS. Identifiers: Orphanet 284139, MedGen CN034159, MONDO:0009511, OMIM 245600.

Allele frequency attached by ClinVar (database versions not stated): gnomAD exomes 0.00002; ExAC 0.00005.
gnomAD v4.1: 9 of 1,612,952 alleles (0.00056%); highest among the groups gnomAD compares: Non-Finnish European, 0.00076%; no homozygotes.

Submission:

Labcorp Genetics (formerly Invitae), Labcorp
Classification: Uncertain significance for Larsen-like syndrome, B3GAT3 type. Last evaluated: 2022-07-05. Review status: criteria provided, single submitter. Criteria: Invitae Variant Classification Sherloc (09022015). Collection method: clinical testing. Allele origin: germline.
Comment: In summary, the available evidence is currently insufficient to determine the role of this variant in disease. Therefore, it has been classified as a Variant of Uncertain Significance. Algorithms developed to predict the effect of missense changes on protein structure and function (SIFT, PolyPhen-2, Align-GVGD) all suggest that this variant is likely to be tolerated. This variant has not been reported in the literature in individuals affected with B3GAT3-related conditions. This variant is present in population databases (rs772173955, gnomAD 0.006%). This sequence change replaces proline, which is neutral and non-polar, with alanine, which is neutral and non-polar, at codon 71 of the B3GAT3 protein (p.Pro71Ala).